The following is an entry in ClinVar:

ClinVar aggregate classification (germline): Likely benign (1 of 4 stars; one submission).

Submission:

GeneDx
Classification: Likely benign. Last evaluated: 2015-08-26. Review status: criteria provided, single submitter. Criteria: GeneDx Variant Classification (06012015). Collection method: clinical testing. Allele origin: germline. Affected: yes.
Comment: This variant is considered likely benign or benign based on one or more of the following criteria: it is a conservative change, it occurs at a poorly conserved position in the protein, it is predicted to be benign by multiple in silico algorithms, and/or has population frequency not consistent with disease.

NM_000692.5(ALDH1B1):c.578del (p.Gly193fs)

Gene: ALDH1B1 (aldehyde dehydrogenase 1 family member B1; plus strand). Cytogenetic location: 9p13.1.
Variant type: Deletion.
Coding change: c.578del on transcript NM_000692.5 (MANE Select); coding-DNA position 578, one base deleted (G; older notation c.578delG).
Protein change: p.Gly193fs; shifts the reading frame from glycine 193.
Molecular consequence: frameshift variant.
Genome position (GRCh38, 1-based): chr9:38,396,326, G deleted; the last of 3 consecutive G bases (chr9:38,396,324-38,396,326); deleting any one gives the same sequence. VCF-style (leftmost placement, unchanged base first): chr9-38396323-AG-A. GRCh37 (hg19) VCF-style: chr9-38396320-AG-A.
Other names: short protein forms G193fs.
Identifiers: ClinVar variation 217512 (VCV000217512.1), dbSNP rs796888788, ClinGen allele CA325473.